The following is an entry in ClinVar:

ClinVar aggregate classification (germline): Uncertain significance (1 of 4 stars; one submission).

Submission:

Ambry Genetics
Classification: Uncertain significance. Last evaluated: 2024-07-09. Review status: criteria provided, single submitter. Criteria: Ambry Variant Classification Scheme 2023. Collection method: clinical testing. Allele origin: germline.
Comment: The p.I1237M variant (also known as c.3711C>G), located in coding exon 6 of the MLH3 gene, results from a C to G substitution at nucleotide position 3711. The isoleucine at codon 1237 is replaced by methionine, an amino acid with highly similar properties. This amino acid position is conserved. In addition, this alteration is predicted to be tolerated by in silico analysis. Based on the available evidence, the clinical significance of this variant remains unclear.

NM_001040108.2(MLH3):c.3711C>G (p.Ile1237Met)

Gene: MLH3 (mutL homolog 3; minus strand). Cytogenetic location: 14q24.3.
Variant type: single nucleotide variant.
Coding change: c.3711C>G on transcript NM_001040108.2 (MANE Select); coding-DNA position 3711, C replaced by G.
Protein change: p.Ile1237Met; replaces isoleucine 1237 with methionine.
Molecular consequence: missense variant. On other transcripts: intron variant (1).
Genome position (GRCh38, 1-based): chr14:75,033,423, G>C on the plus strand (C>G on the coding strand, the complement: MLH3 is on the minus strand). VCF-style: chr14-75033423-G-C. GRCh37 (hg19) VCF-style: chr14-75500126-G-C.
Other names: c.3644-1244C>G (NM_014381.3); short protein forms I1237M.
Identifiers: ClinVar variation 3396644 (VCV003396644.1).